The following is an entry in ClinVar:

NC_000013.10:g.(?_52508892)_(52585473_?)del

Gene: ATP7B (ATPase copper transporting beta; minus strand). Cytogenetic location: 13q14.3.
Variant type: Deletion.
Identifiers: ClinVar variation 2422252 (VCV002422252.2).

ClinVar aggregate classification (germline): Pathogenic (1 of 4 stars; one submission).

Conditions:
Wilson disease (WND). Also called: Wilson's disease. Identifiers: Orphanet 905, MedGen C0019202, MONDO:0010200, OMIM 277900. Disease mechanism: loss of function.

Submission:

Labcorp Genetics (formerly Invitae), Labcorp
Classification: Pathogenic for Wilson disease. Last evaluated: 2022-09-05. Review status: criteria provided, single submitter. Criteria: Invitae Variant Classification Sherloc (09022015). Collection method: clinical testing. Allele origin: germline.
Comment: A gross deletion of the genomic region encompassing the full coding sequence of the ATP7B gene has been identified. Loss-of-function variants in ATP7B are known to be pathogenic (PMID: 10441329, 16283883). The boundaries of this event are unknown as they extend beyond the assayed region for this gene and therefore may encompass additional genes. A similar copy number variant has been observed in individual(s) with Wilson disease (PMID: 30655162). For these reasons, this variant has been classified as Pathogenic.

Literature cited by the submitters: PubMed 10441329; PubMed 16283883; PubMed 30655162.